The following is an entry in ClinVar:

ClinVar aggregate classification (germline): Uncertain significance (1 of 4 stars; one submission).

Allele frequency attached by ClinVar (database versions not stated): gnomAD exomes below 0.00001 and 0.00001; ExAC 0.00001; gnomAD 0.00002; TOPMed 0.00002.
gnomAD v4.1: 18 of 1,605,268 alleles (0.0011%); highest among the groups gnomAD compares: African/African-American, 0.0068%; no homozygotes.

Submission:

Labcorp Genetics (formerly Invitae), Labcorp
Classification: Uncertain significance. Last evaluated: 2026-01-26. Review status: criteria provided, single submitter. Criteria: Invitae Variant Classification Sherloc (09022015). Collection method: clinical testing. Allele origin: germline.
Comment: This sequence change replaces proline, which is neutral and non-polar, with leucine, which is neutral and non-polar, at codon 448 of the PRDM13 protein (p.Pro448Leu). This variant is present in population databases (rs763734908, gnomAD 0.003%). This variant has not been reported in the literature in individuals affected with PRDM13-related conditions. ClinVar contains an entry for this variant (Variation ID: 1404029). An algorithm developed to predict the effect of missense changes on protein structure and function (PolyPhen-2) suggests that this variant is likely to be tolerated. In summary, the available evidence is currently insufficient to determine the role of this variant in disease. Therefore, it has been classified as a Variant of Uncertain Significance.

NM_021620.4(PRDM13):c.1343C>T (p.Pro448Leu)

Gene: PRDM13 (PR/SET domain 13; plus strand). Cytogenetic location: 6q16.2.
Variant type: single nucleotide variant.
Coding change: c.1343C>T on transcript NM_021620.4 (MANE Select); coding-DNA position 1343, C replaced by T.
Protein change: p.Pro448Leu; replaces proline 448 with leucine.
Molecular consequence: missense variant.
Genome position (GRCh38, 1-based): chr6:99,613,978, C>T. VCF-style: chr6-99613978-C-T. GRCh37 (hg19) VCF-style: chr6-100061854-C-T.
Other names: short protein forms P448L.
Identifiers: ClinVar variation 1404029 (VCV001404029.8), dbSNP rs763734908, ClinGen allele CA3936367.